The following is an entry in ClinVar:

NM_000246.4(CIITA):c.2368G>T (p.Ala790Ser)

Gene: CIITA (class II major histocompatibility complex transactivator; plus strand). Cytogenetic location: 16p13.13.
Variant type: single nucleotide variant.
Coding change: c.2368G>T on transcript NM_000246.4 (MANE Select); coding-DNA position 2368, G replaced by T.
Protein change: p.Ala790Ser; replaces alanine 790 with serine.
Molecular consequence: missense variant. On other transcripts: intron variant (1).
Genome position (GRCh38, 1-based): chr16:10,907,860, G>T. VCF-style: chr16-10907860-G-T. GRCh37 (hg19) VCF-style: chr16-11001717-G-T.
Other names: c.2371G>T, p.Ala791Ser (NM_001286402.1, NM_001379332.1); c.2224G>T, p.Ala742Ser (NM_001379330.1); c.2221G>T, p.Ala741Ser (NM_001379331.1); c.2368G>T, p.Ala790Ser (NM_001379333.1); c.2299G>T, p.Ala767Ser (NM_001379334.1); c.860-1123G>T (NM_001286403.2); short protein forms A741S, A767S, A790S, A742S, A791S.
Identifiers: ClinVar variation 2120241 (VCV002120241.4), dbSNP rs1189109761, ClinGen allele CA394733137.

ClinVar aggregate classification (germline): Uncertain significance (1 of 4 stars; one submission).

Conditions:
MHC class II deficiency. Also called: Bare lymphocyte syndrome 2; BLS, TYPE II. Identifiers: Orphanet 572, MedGen C5447452, MONDO:0008855.

Allele frequency attached by ClinVar (database versions not stated): TOPMed 0.00006.

Submission:

Labcorp Genetics (formerly Invitae), Labcorp
Classification: Uncertain significance for MHC class II deficiency. Last evaluated: 2022-04-01. Review status: criteria provided, single submitter. Criteria: Invitae Variant Classification Sherloc (09022015). Collection method: clinical testing. Allele origin: germline.
Comment: This variant is not present in population databases (gnomAD no frequency). In summary, the available evidence is currently insufficient to determine the role of this variant in disease. Therefore, it has been classified as a Variant of Uncertain Significance. Algorithms developed to predict the effect of missense changes on protein structure and function output the following: SIFT: "Tolerated"; PolyPhen-2: "Benign"; Align-GVGD: "Class C0". The serine amino acid residue is found in multiple mammalian species, which suggests that this missense change does not adversely affect protein function. This variant has not been reported in the literature in individuals affected with CIITA-related conditions. This sequence change replaces alanine, which is neutral and non-polar, with serine, which is neutral and polar, at codon 790 of the CIITA protein (p.Ala790Ser).